The following is an entry in ClinVar:

ClinVar aggregate classification (germline): Uncertain significance. Review status: criteria provided, multiple submitters, no conflicts (2 of 4 stars). 2 submissions from 2 submitters: Uncertain significance (2). Last evaluated 2024-10-14.

Conditions:
Inborn genetic diseases. Identifiers: MedGen C0950123, MeSH D030342.

Allele frequency attached by ClinVar (database versions not stated): gnomAD 0.00001; gnomAD exomes 0.00002; ExAC 0.00003; 1000 Genomes Project 30x 0.00016; 1000 Genomes Project 0.00020.
gnomAD v4.1: 14 of 1,613,476 alleles (0.00087%); highest among the groups gnomAD compares: South Asian, 0.0033%; no homozygotes.

Submissions (2):

Labcorp Genetics (formerly Invitae), Labcorp
Classification: Uncertain significance. Last evaluated: 2024-10-14. Review status: criteria provided, single submitter. Criteria: Invitae Variant Classification Sherloc (09022015). Collection method: clinical testing. Allele origin: germline.
Comment: This sequence change replaces glycine, which is neutral and non-polar, with serine, which is neutral and polar, at codon 322 of the ADSSL1 protein (p.Gly322Ser). This variant is present in population databases (rs574062486, gnomAD 0.005%). This variant has not been reported in the literature in individuals affected with ADSSL1-related conditions. ClinVar contains an entry for this variant (Variation ID: 1681973). An algorithm developed to predict the effect of missense changes on protein structure and function (PolyPhen-2) suggests that this variant is likely to be disruptive. In summary, the available evidence is currently insufficient to determine the role of this variant in disease. Therefore, it has been classified as a Variant of Uncertain Significance.

Ambry Genetics
Classification: Uncertain significance for Inborn genetic diseases. Last evaluated: 2023-12-20. Review status: criteria provided, single submitter. Criteria: Ambry Variant Classification Scheme 2023. Collection method: clinical testing. Allele origin: germline.

NM_152328.5(ADSS1):c.835G>A (p.Gly279Ser)

Gene: ADSS1 (adenylosuccinate synthase 1; plus strand). Cytogenetic location: 14q32.33.
Variant type: single nucleotide variant.
Coding change: c.835G>A on transcript NM_152328.5 (MANE Select); coding-DNA position 835, G replaced by A.
Protein change: p.Gly279Ser; replaces glycine 279 with serine.
Molecular consequence: missense variant.
Genome position (GRCh38, 1-based): chr14:104,741,889, G>A. VCF-style: chr14-104741889-G-A. GRCh37 (hg19) VCF-style: chr14-105208226-G-A.
Other names: c.964G>A (NM_199165.1); c.220G>A, p.Gly74Ser (NM_001320424.1); c.964G>A, p.Gly322Ser (NM_199165.2); short protein forms G279S, G322S, G74S.
Identifiers: ClinVar variation 1681973 (VCV001681973.6), dbSNP rs574062486, ClinGen allele CA7373893.
Genomic context (GRCh38, chr14:104,741,889, plus strand): 5'-AACCTGCTCTGTCTTGCAGGGACCTACCCCTTTGTGACTTCATCCAACTGCACCGTGGGC[G>A]GTGTGTGCACGGGCCTGGGCATCCCCCCGCAGAACATAGGTGACGTGTATGGCGTGGTGA-3'
Protein context (NP_689541.1, residues 269-289): FVTSSNCTVG[Gly279Ser]VCTGLGIPPQ